The following is an entry in ClinVar:

NM_000159.4(GCDH):c.505+20G>T

Gene: GCDH (glutaryl-CoA dehydrogenase; plus strand). Cytogenetic location: 19p13.13.
Variant type: single nucleotide variant.
Coding change: c.505+20G>T on transcript NM_000159.4 (MANE Select); 20 bases into the intron after coding-DNA position 505, G replaced by T.
Molecular consequence: intron variant.
Genome position (GRCh38, 1-based): chr19:12,893,673, G>T. VCF-style: chr19-12893673-G-T. GRCh37 (hg19) VCF-style: chr19-13004487-G-T.
Other names: c.505+20G>T (NM_013976.5).
Identifiers: ClinVar variation 384990 (VCV000384990.6), dbSNP rs1057522095, ClinGen allele CA16608863.

ClinVar aggregate classification (germline): Likely benign. Review status: criteria provided, multiple submitters, no conflicts (2 of 4 stars). 2 submissions from 2 submitters: Likely benign (2). Last evaluated 2026-01-16.

Conditions:
Glutaric aciduria, type 1. Also called: Glutaric Acidemia Type 1; GA I; Glutaryl-CoA dehydrogenase deficiency; Glutaric acidemia type I; Glutaricacidemia Type 1; Glutaricaciduria, type I. Identifiers: Orphanet 25, MedGen C0268595, MONDO:0009281, OMIM 231670.

Allele frequency attached by ClinVar (database versions not stated): gnomAD exomes below 0.00001; gnomAD 0.00001 and 0.00002; TOPMed 0.00003.

Submissions (2):

Labcorp Genetics (formerly Invitae), Labcorp
Classification: Likely benign for Glutaric aciduria, type 1. Last evaluated: 2026-01-16. Review status: criteria provided, single submitter. Criteria: Invitae Variant Classification Sherloc (09022015). Collection method: clinical testing. Allele origin: germline.

GeneDx
Classification: Likely benign. Last evaluated: 2016-04-07. Review status: criteria provided, single submitter. Criteria: GeneDx Variant Classification (06012015). Collection method: clinical testing. Allele origin: germline. Affected: yes.
Comment: This variant is considered likely benign or benign based on one or more of the following criteria: it is a conservative change, it occurs at a poorly conserved position in the protein, it is predicted to be benign by multiple in silico algorithms, and/or has population frequency not consistent with disease.